The following is an entry in ClinVar:

NM_006904.7(PRKDC):c.10513T>G (p.Leu3505Val)

Gene: PRKDC (protein kinase, DNA-activated, catalytic subunit; minus strand). Cytogenetic location: 8q11.21.
Variant type: single nucleotide variant.
Coding change: c.10513T>G on transcript NM_006904.7 (MANE Select); coding-DNA position 10513, T replaced by G.
Protein change: p.Leu3505Val; replaces leucine 3505 with valine.
Molecular consequence: missense variant.
Genome position (GRCh38, 1-based): chr8:47,794,447, A>C on the plus strand (T>G on the coding strand, the complement: PRKDC is on the minus strand). VCF-style: chr8-47794447-A-C. GRCh37 (hg19) VCF-style: chr8-48707008-A-C.
Other names: c.10513T>G, p.Leu3505Val (NM_001081640.2); short protein forms L3505V.
Identifiers: ClinVar variation 1777162 (VCV001777162.2), dbSNP rs2551862029, ClinGen allele CA371134190.

ClinVar aggregate classification (germline): Uncertain significance (1 of 4 stars; one submission).

Submission:

Ambry Genetics
Classification: Uncertain significance. Last evaluated: 2022-06-02. Review status: criteria provided, single submitter. Criteria: Ambry Variant Classification Scheme 2023. Collection method: clinical testing. Allele origin: germline.
Comment: The p.L3505V variant (also known as c.10513T>G), located in coding exon 74 of the PRKDC gene, results from a T to G substitution at nucleotide position 10513. The leucine at codon 3505 is replaced by valine, an amino acid with highly similar properties. This amino acid position is conserved. In addition, this alteration is predicted to be deleterious by in silico analysis. Since supporting evidence is limited at this time, the clinical significance of this alteration remains unclear.